The following is an entry in ClinVar:

ClinVar aggregate classification (germline): Uncertain significance (1 of 4 stars; one submission).

Conditions:
Neuromuscular disease caused by qualitative or quantitative defects of dysferlin. Also called: Dysferlinopathy; Qualitative or quantitative defects of dysferlin. Identifiers: Orphanet 207073, MedGen C2931687, MONDO:0016145.

Submission:

Labcorp Genetics (formerly Invitae), Labcorp
Classification: Uncertain significance for Neuromuscular disease caused by qualitative or quantitative defects of dysferlin. Last evaluated: 2022-02-09. Review status: criteria provided, single submitter. Criteria: Invitae Variant Classification Sherloc (09022015). Collection method: clinical testing. Allele origin: germline.
Comment: This sequence change replaces proline, which is neutral and non-polar, with serine, which is neutral and polar, at codon 839 of the DYSF protein (p.Pro839Ser). This variant is not present in population databases (gnomAD no frequency). This variant has not been reported in the literature in individuals affected with DYSF-related conditions. ClinVar contains an entry for this variant (Variation ID: 933239). Advanced modeling of protein sequence and biophysical properties (such as structural, functional, and spatial information, amino acid conservation, physicochemical variation, residue mobility, and thermodynamic stability) performed at Invitae indicates that this missense variant is expected to disrupt DYSF protein function. In summary, the available evidence is currently insufficient to determine the role of this variant in disease. Therefore, it has been classified as a Variant of Uncertain Significance.

NM_001130987.2(DYSF):c.2569C>T (p.Pro857Ser)

Gene: DYSF (dysferlin; plus strand). Cytogenetic location: 2p13.2.
Variant type: single nucleotide variant.
Coding change: c.2569C>T on transcript NM_001130987.2 (MANE Select); coding-DNA position 2569, C replaced by T.
Protein change: p.Pro857Ser; replaces proline 857 with serine.
Molecular consequence: missense variant.
Genome position (GRCh38, 1-based): chr2:71,567,954, C>T. VCF-style: chr2-71567954-C-T. GRCh37 (hg19) VCF-style: chr2-71795084-C-T.
Other names: c.2518C>T, p.Pro840Ser (NM_001130455.2, NM_001130983.2); c.2473C>T, p.Pro825Ser (NM_001130976.2, NM_001130977.2); c.2515C>T, p.Pro839Ser (NM_001130978.2, NM_003494.4); c.2608C>T, p.Pro870Ser (NM_001130979.2); c.2566C>T, p.Pro856Ser (NM_001130980.2, NM_001130981.2); c.2611C>T, p.Pro871Ser (NM_001130982.2); c.2476C>T, p.Pro826Ser (NM_001130984.2, NM_001130986.2); c.2569C>T, p.Pro857Ser (NM_001130985.2); short protein forms P826S, P840S, P871S, P839S, P857S, P870S, P856S, P825S.
Identifiers: ClinVar variation 933239 (VCV000933239.7), dbSNP rs923314140, ClinGen allele CA347213011.